The following is an entry in ClinVar:

NM_000059.4(BRCA2):c.8671A>C (p.Thr2891Pro)

Gene: BRCA2 (BRCA2 DNA repair associated; plus strand). Cytogenetic location: 13q13.1.
Variant type: single nucleotide variant.
Coding change: c.8671A>C on transcript NM_000059.4 (MANE Select); coding-DNA position 8671, A replaced by C.
Protein change: p.Thr2891Pro; replaces threonine 2891 with proline.
Molecular consequence: missense variant.
Genome position (GRCh38, 1-based): chr13:32,376,708, A>C. VCF-style: chr13-32376708-A-C. GRCh37 (hg19) VCF-style: chr13-32950845-A-C.
Other names: c.8671A>C (NM_000059.3); short protein forms T2891P.
Identifiers: ClinVar variation 1487273 (VCV001487273.9), dbSNP rs2137612680, ClinGen allele CA387754743.

ClinVar aggregate classification (germline): Conflicting classifications of pathogenicity. Review status: criteria provided, conflicting classifications (1 of 4 stars). 3 submissions from 3 submitters: Uncertain significance (2); Likely benign (1). Last evaluated 2025-05-15.

Conditions:
Breast-ovarian cancer, familial, susceptibility to, 2 (BROVCA2). Also called: BRCA2 Hereditary Breast and Ovarian Cancer. Identifiers: Orphanet 145, MedGen C2675520, MONDO:0012933, OMIM 612555. Disease mechanism: loss of function.
Hereditary breast ovarian cancer syndrome. Also called: Hereditary breast and/or ovarian cancer syndrome; BRCA1- and BRCA2-Associated Hereditary Breast and Ovarian Cancer; Breast and ovarian cancer; Hereditary breast and ovarian cancer syndrome (HBOC); Hereditary breast and ovarian cancer; Hereditary breast and ovarian cancer syndrome. Identifiers: Orphanet 145, MedGen C0677776, MeSH D061325, MONDO:0003582. Disease mechanism: loss of function.
Hereditary cancer-predisposing syndrome. Also called: Neoplastic Syndromes, Hereditary; Tumor predisposition; Hereditary neoplastic syndrome; Hereditary Cancer Syndrome. Identifiers: Orphanet 140162, MedGen C0027672, MeSH D009386, MONDO:0015356.

gnomAD v4.1: 1 of 1,614,142 alleles (0.000062%); highest among the groups gnomAD compares: Non-Finnish European, 0.000085%; no homozygotes.

Submissions (3):

Ambry Genetics
Classification: Likely benign for Hereditary cancer-predisposing syndrome. Last evaluated: 2025-05-15. Review status: criteria provided, single submitter. Criteria: Ambry Variant Classification Scheme 2023. Collection method: clinical testing. Allele origin: germline.

All of Us Research Program, National Institutes of Health
Classification: Uncertain significance for Breast-ovarian cancer, familial, susceptibility to, 2. Last evaluated: 2023-09-17. Review status: criteria provided, single submitter. Criteria: ACMG Guidelines, 2015. Collection method: clinical testing. Allele origin: germline. Inheritance: Autosomal dominant inheritance. Observed: 1 variant allele, 1 heterozygote.
Comment: This missense variant replaces threonine with proline at codon 2891 of the BRCA2 protein. Computational prediction suggests that this variant may not impact protein structure and function (internally defined REVEL score threshold <= 0.5, PMID: 27666373). To our knowledge, functional studies have not been reported for this variant. This variant has not been reported in individuals affected with BRCA2-related disorders in the literature. This variant has not been identified in the general population by the Genome Aggregation Database (gnomAD). The available evidence is insufficient to determine the role of this variant in disease conclusively. Therefore, this variant is classified as a Variant of Uncertain Significance.

This study involves interpretation of variants in research participants for the purpose of population health screening. Participant phenotype was not available at the time of variant classification. Additional details can be found in publication PMID: 35346344, PMCID: PMC8962531

Labcorp Genetics (formerly Invitae), Labcorp
Classification: Uncertain significance for Hereditary breast ovarian cancer syndrome. Last evaluated: 2023-03-09. Review status: criteria provided, single submitter. Criteria: Invitae Variant Classification Sherloc (09022015). Collection method: clinical testing. Allele origin: germline.
Comment: In summary, the available evidence is currently insufficient to determine the role of this variant in disease. Therefore, it has been classified as a Variant of Uncertain Significance. Advanced modeling of protein sequence and biophysical properties (such as structural, functional, and spatial information, amino acid conservation, physicochemical variation, residue mobility, and thermodynamic stability) performed at Invitae indicates that this missense variant is not expected to disrupt BRCA2 protein function. ClinVar contains an entry for this variant (Variation ID: 1487273). This variant has not been reported in the literature in individuals affected with BRCA2-related conditions. This variant is not present in population databases (gnomAD no frequency). This sequence change replaces threonine, which is neutral and polar, with proline, which is neutral and non-polar, at codon 2891 of the BRCA2 protein (p.Thr2891Pro).